The following is an entry in ClinVar:

ClinVar aggregate classification (germline): Likely benign (1 of 4 stars; one submission).

Conditions:
PI4KB-related disorder. Also called: PI4KB-related condition.

gnomAD v4.1: 79 of 1,510,422 alleles (0.0052%); highest among the groups gnomAD compares: South Asian, 0.1%; 2 homozygotes.

Submission:

PreventionGenetics, part of Exact Sciences
Classification: Likely benign for PI4KB-related condition. Last evaluated: 2024-12-20. Review status: criteria provided, single submitter. Criteria: ACMG Guidelines, 2015. Collection method: clinical testing. Allele origin: germline.
Comment: This variant is classified as likely benign based on ACMG/AMP sequence variant interpretation guidelines (Richards et al. 2015 PMID: 25741868, with internal and published modifications).

NM_001369623.2(PI4KB):c.-15A>G

Gene: PI4KB (phosphatidylinositol 4-kinase beta; minus strand). Cytogenetic location: 1q21.3.
Variant type: single nucleotide variant.
Coding change: c.-15A>G on transcript NM_001369623.2 (MANE Select); 15 bases upstream of the start codon, A replaced by G.
Molecular consequence: 5 prime UTR variant. On other transcripts: missense variant (3), intron variant (1).
Genome position (GRCh38, 1-based): chr1:151,316,496, T>C on the plus strand (A>G on the coding strand, the complement: PI4KB is on the minus strand). VCF-style: chr1-151316496-T-C. GRCh37 (hg19) VCF-style: chr1-151288972-T-C.
Other names: c.-15A>G (NM_001198773.3, NM_001198774.2, NM_001330721.2 and 3 more transcripts); c.22A>G, p.Ser8Gly (NM_001369625.1, NM_001369628.1, NM_002651.4); c.-42-8695A>G (NM_001198775.3); short protein forms S8G.
Identifiers: ClinVar variation 4979269 (VCV004979269.1).